The following is an entry in ClinVar:

ClinVar aggregate classification (germline): Likely benign. Review status: criteria provided, single submitter (1 of 4 stars). 2 submissions from 2 submitters: Likely benign (1). 1 of the submissions does not count toward it. Last evaluated 2024-11-27.

Conditions:
POLR2A-related disorder. Also called: POLR2A-related condition.

Allele frequency attached by ClinVar (database versions not stated): gnomAD exomes 0.00052; ExAC 0.00170; gnomAD 0.00516; TOPMed 0.00535; 1000 Genomes Project 0.00619; ESP Exome Variant Server 0.00661; 1000 Genomes Project 30x 0.00671.

Submissions (2):

Blueprint Genetics
Classification: Likely benign. Last evaluated: 2024-11-27. Review status: criteria provided, single submitter. Criteria: ACMG Guidelines, 2015. Collection method: clinical testing. Allele origin: germline.

PreventionGenetics, part of Exact Sciences
Classification: Benign for POLR2A-related condition. Last evaluated: 2019-11-25. Review status: no assertion criteria provided. Collection method: clinical testing. Allele origin: germline. Not counted in ClinVar's aggregate classification.
Comment: This variant is classified as benign based on ACMG/AMP sequence variant interpretation guidelines (Richards et al. 2015 PMID: 25741868, with internal and published modifications).

NM_000937.5(POLR2A):c.849C>T (p.Ile283=)

Gene: POLR2A (RNA polymerase II subunit A; plus strand). Cytogenetic location: 17p13.1.
Variant type: single nucleotide variant.
Coding change: c.849C>T on transcript NM_000937.5 (MANE Select); coding-DNA position 849, C replaced by T.
Protein change: p.Ile283=; no amino-acid change (isoleucine 283 retained).
Molecular consequence: synonymous variant.
Genome position (GRCh38, 1-based): chr17:7,497,385, C>T. VCF-style: chr17-7497385-C-T. GRCh37 (hg19) VCF-style: chr17-7400704-C-T.
Identifiers: ClinVar variation 3033973 (VCV003033973.3), dbSNP rs140036552, ClinGen allele CA8349289.